The following is an entry in ClinVar:

NM_002294.3(LAMP2):c.183+2T>C

Gene: LAMP2 (lysosome associated membrane protein 2; minus strand). Cytogenetic location: Xq24.
Variant type: single nucleotide variant.
Coding change: c.183+2T>C on transcript NM_002294.3 (MANE Select); the canonical splice donor site of the intron after coding-DNA position 183, T replaced by C.
Molecular consequence: splice donor variant.
Genome position (GRCh38, 1-based): chrX:120,456,649, A>G on the plus strand (T>C on the coding strand, the complement: LAMP2 is on the minus strand). VCF-style: chrX-120456649-A-G. GRCh37 (hg19) VCF-style: chrX-119590504-A-G.
Other names: c.183+2T>C (NM_001122606.1, NM_013995.2).
Identifiers: ClinVar variation 1323222 (VCV001323222.7), dbSNP rs2147287565, ClinGen allele CA414403546.

ClinVar aggregate classification (germline): Pathogenic. Review status: criteria provided, multiple submitters, no conflicts (2 of 4 stars). 2 submissions from 2 submitters: Pathogenic (2). Last evaluated 2024-04-05.

Conditions:
Danon disease. Also called: Glycogen Storage Disease Type IIb; PSEUDOGLYCOGENOSIS II; GSD IIb; LYSOSOMAL GLYCOGEN STORAGE DISEASE WITHOUT ACID MALTASE DEFICIENCY; ANTOPOL DISEASE. Identifiers: Orphanet 34587, MedGen C0878677, MONDO:0010281, OMIM 300257.
LAMP2-related disorders.

Submissions (2):

Blueprint Genetics
Classification: Pathogenic for LAMP2-related disorders. Last evaluated: 2024-04-05. Review status: criteria provided, single submitter. Criteria: ACMG Guidelines, 2015. Collection method: clinical testing. Allele origin: germline. Affected: yes. Observed: 2 variant alleles.

Labcorp Genetics (formerly Invitae), Labcorp
Classification: Pathogenic for Danon disease. Last evaluated: 2023-10-03. Review status: criteria provided, single submitter. Criteria: Invitae Variant Classification Sherloc (09022015). Collection method: clinical testing. Allele origin: germline.
Comment: This sequence change affects a donor splice site in intron 2 of the LAMP2 gene. It is expected to disrupt RNA splicing. Variants that disrupt the donor or acceptor splice site typically lead to a loss of protein function (PMID: 16199547), and loss-of-function variants in LAMP2 are known to be pathogenic (PMID: 21415759). This variant is not present in population databases (gnomAD no frequency). Disruption of this splice site has been observed in individuals with Danon disease and hypertrophic cardiomyopathy (PMID: 21415759, 27532257, 28491796, 29961767; Invitae). ClinVar contains an entry for this variant (Variation ID: 1323222). Algorithms developed to predict the effect of sequence changes on RNA splicing suggest that this variant may disrupt the consensus splice site. For these reasons, this variant has been classified as Pathogenic.

Literature cited by the submitters: PubMed 16199547 (cited by Labcorp Genetics (formerly Invitae), Labcorp); PubMed 21415759 (cited by Labcorp Genetics (formerly Invitae), Labcorp); PubMed 27532257 (cited by Labcorp Genetics (formerly Invitae), Labcorp); PubMed 28491796 (cited by Labcorp Genetics (formerly Invitae), Labcorp); PubMed 29961767 (cited by Labcorp Genetics (formerly Invitae), Labcorp).